The following is an entry in ClinVar:

ClinVar aggregate classification (germline): Likely benign (1 of 4 stars; one submission).

gnomAD v4.1: 9 of 1,565,820 alleles (0.00057%); highest among the groups gnomAD compares: Middle Eastern, 0.017%; no homozygotes.

Submission:

CeGaT Center for Human Genetics Tuebingen
Classification: Likely benign. Last evaluated: 2023-03-01. Review status: criteria provided, single submitter. Criteria: CeGaT Center For Human Genetics Tuebingen Variant Classification Criteria Version 2. Collection method: clinical testing. Allele origin: germline. Affected: yes. Observed: 1 variant allele.
Comment: LINGO1: BP4, BP7

NM_032808.7(LINGO1):c.120G>A (p.Thr40=)

Gene: LINGO1 (leucine rich repeat and Ig domain containing 1; minus strand). Cytogenetic location: 15q24.3.
Variant type: single nucleotide variant.
Coding change: c.120G>A on transcript NM_032808.7 (MANE Select); coding-DNA position 120, G replaced by A.
Protein change: p.Thr40=; no amino-acid change (threonine 40 retained).
Molecular consequence: synonymous variant.
Genome position (GRCh38, 1-based): chr15:77,615,787, C>T on the plus strand (G>A on the coding strand, the complement: LINGO1 is on the minus strand). VCF-style: chr15-77615787-C-T. GRCh37 (hg19) VCF-style: chr15-77908129-C-T.
Other names: c.102G>A, p.Thr34= (NM_001301186.2, NM_001301187.2, NM_001301189.2 and 8 more transcripts).
Identifiers: ClinVar variation 2645598 (VCV002645598.24), dbSNP rs758540036, ClinGen allele CA7678030.